The following is an entry in ClinVar:

ClinVar aggregate classification (germline): Conflicting classifications of pathogenicity. Review status: criteria provided, conflicting classifications (1 of 4 stars). 2 submissions from 2 submitters: Uncertain significance (1); Likely benign (1). Last evaluated 2025-01-08.

Conditions:
Hereditary cancer-predisposing syndrome. Also called: Neoplastic Syndromes, Hereditary; Hereditary neoplastic syndrome; Tumor predisposition; Hereditary Cancer Syndrome. Identifiers: Orphanet 140162, MedGen C0027672, MeSH D009386, MONDO:0015356.
Neuroblastoma, susceptibility to, 3. Also called: ALK-Related Neuroblastic Tumor Susceptibility. Identifiers: Orphanet 635, MedGen C2751681, MONDO:0013083, OMIM 613014.

Allele frequency attached by ClinVar (database versions not stated): gnomAD below 0.00001 and 0.00001; TOPMed below 0.00001.
gnomAD v4.1: 4 of 1,614,022 alleles (0.00025%); highest among the groups gnomAD compares: South Asian, 0.0011%; no homozygotes.

Submissions (2):

Labcorp Genetics (formerly Invitae), Labcorp
Classification: Uncertain significance for Neuroblastoma, susceptibility to, 3. Last evaluated: 2025-01-08. Review status: criteria provided, single submitter. Criteria: Invitae Variant Classification Sherloc (09022015). Collection method: clinical testing. Allele origin: germline.
Comment: This sequence change replaces alanine, which is neutral and non-polar, with threonine, which is neutral and polar, at codon 1596 of the ALK protein (p.Ala1596Thr). This variant is present in population databases (rs748822593, gnomAD 0.002%). This variant has not been reported in the literature in individuals affected with ALK-related conditions. ClinVar contains an entry for this variant (Variation ID: 839754). An algorithm developed to predict the effect of missense changes on protein structure and function outputs the following: PolyPhen-2: "Benign". The threonine amino acid residue is found in multiple mammalian species, which suggests that this missense change does not adversely affect protein function. In summary, the available evidence is currently insufficient to determine the role of this variant in disease. Therefore, it has been classified as a Variant of Uncertain Significance.

Ambry Genetics
Classification: Likely benign for Hereditary cancer-predisposing syndrome. Last evaluated: 2024-11-14. Review status: criteria provided, single submitter. Criteria: Ambry Variant Classification Scheme 2023. Collection method: clinical testing. Allele origin: germline.

NM_004304.5(ALK):c.4786G>A (p.Ala1596Thr)

Gene: ALK (ALK receptor tyrosine kinase; minus strand). Cytogenetic location: 2p23.2.
Variant type: single nucleotide variant.
Coding change: c.4786G>A on transcript NM_004304.5 (MANE Select); coding-DNA position 4786, G replaced by A.
Protein change: p.Ala1596Thr; replaces alanine 1596 with threonine.
Molecular consequence: missense variant.
Genome position (GRCh38, 1-based): chr2:29,193,301, C>T on the plus strand (G>A on the coding strand, the complement: ALK is on the minus strand). VCF-style: chr2-29193301-C-T. GRCh37 (hg19) VCF-style: chr2-29416167-C-T.
Other names: c.1582G>A, p.Ala528Thr (NM_001353765.2); short protein forms A1596T, A528T.
Identifiers: ClinVar variation 839754 (VCV000839754.12), dbSNP rs748822593, ClinGen allele CA1593482.